The following is an entry in ClinVar:

ClinVar aggregate classification (germline): Uncertain significance. Review status: criteria provided, multiple submitters, no conflicts (2 of 4 stars). 2 submissions from 2 submitters: Uncertain significance (2). Last evaluated 2025-11-12.

Conditions:
NEFL-related disorder. Also called: NEFL-related condition.
Inborn genetic diseases. Identifiers: MedGen C0950123, MeSH D030342.

Submissions (2):

PreventionGenetics, part of Exact Sciences
Classification: Uncertain significance for NEFL-related condition. Last evaluated: 2025-11-12. Review status: criteria provided, single submitter. Criteria: ACMG Guidelines, 2015. Collection method: clinical testing. Allele origin: germline.
Comment: The NEFL c.517A>C variant is predicted to result in the amino acid substitution p.Asn173His. To our knowledge, this variant has not been reported in the literature or in a large population database (gnomAD), indicating this variant is rare. At this time, the clinical significance of this variant is uncertain due to the absence of conclusive functional and genetic evidence.

Ambry Genetics
Classification: Uncertain significance for Inborn genetic diseases. Last evaluated: 2025-02-06. Review status: criteria provided, single submitter. Criteria: Ambry Variant Classification Scheme 2023. Collection method: clinical testing. Allele origin: germline.

NM_006158.5(NEFL):c.517A>C (p.Asn173His)

Gene: NEFL (neurofilament light chain; minus strand). Cytogenetic location: 8p21.2.
Variant type: single nucleotide variant.
Coding change: c.517A>C on transcript NM_006158.5 (MANE Select); coding-DNA position 517, A replaced by C.
Protein change: p.Asn173His; replaces asparagine 173 with histidine.
Molecular consequence: missense variant.
Genome position (GRCh38, 1-based): chr8:24,955,999, T>G on the plus strand (A>C on the coding strand, the complement: NEFL is on the minus strand). VCF-style: chr8-24955999-T-G. GRCh37 (hg19) VCF-style: chr8-24813513-T-G.
Other names: short protein forms N173H.
Identifiers: ClinVar variation 3878689 (VCV003878689.2).